The following is an entry in ClinVar:

ClinVar aggregate classification (germline): Uncertain significance. Review status: criteria provided, single submitter (1 of 4 stars). 2 submissions from 1 submitter: Uncertain significance (2). Last evaluated 2023-05-29.

Conditions:
Ehlers-Danlos syndrome, classic type (cEDS). Identifiers: Orphanet 287, MedGen C4225429, MONDO:0007522.
Ehlers-Danlos syndrome, classic type, 1 (EDSCL1). Also called: Ehlers-Danlos Syndrome, Classic Type, COL5A1-Related; EDS I; Ehlers-Danlos syndrome, type 1; EHLERS-DANLOS SYNDROME, GRAVIS TYPE; EHLERS-DANLOS SYNDROME, SEVERE CLASSIC TYPE. Identifiers: MedGen C0268335, MONDO:0019567, OMIM 130000.

Submissions (2):

Labcorp Genetics (formerly Invitae), Labcorp
Classification: Uncertain significance for Ehlers-Danlos syndrome, classic type, 1. Last evaluated: 2023-05-29. Review status: criteria provided, single submitter. Criteria: Invitae Variant Classification Sherloc (09022015). Collection method: clinical testing. Allele origin: germline.
Comment: In summary, the available evidence is currently insufficient to determine the role of this variant in disease. Therefore, it has been classified as a Variant of Uncertain Significance. Experimental studies and prediction algorithms are not available or were not evaluated, and the functional significance of this variant is currently unknown. This variant has not been reported in the literature in individuals affected with COL5A1-related conditions. This variant is a gross deletion of the genomic region encompassing exon(s) 2 of the COL5A1 gene. This variant would be expected to be in-frame, preserving the integrity of the reading frame.

Labcorp Genetics (formerly Invitae), Labcorp
Classification: Uncertain significance for Ehlers-Danlos syndrome, type 1. Last evaluated: 2018-08-03. Review status: criteria provided, single submitter. Criteria: Invitae Variant Classification Sherloc (09022015). Collection method: clinical testing. Allele origin: germline.
Comment: This variant is an in-frame deletion of the genomic region encompassing exon 2 of the COL5A1 gene. It preserves the integrity of the reading frame. This variant has not been reported in the literature in individuals with COL5A1-related disease. Experimental studies and prediction algorithms are not available for this variant, and the functional significance of the deleted amino acids is currently unknown. In summary, the available evidence is currently insufficient to determine the role of this variant in disease. Therefore, it has been classified as a Variant of Uncertain Significance.

NC_000009.12:g.(?_134690892)_(134691099_?)del

Gene: COL5A1 (collagen type V alpha 1 chain; plus strand). Cytogenetic location: 9q34.3.
Variant type: Deletion.
Identifiers: ClinVar variation 584361 (VCV000584361.9).